The following is an entry in ClinVar:

ClinVar aggregate classification (germline): Uncertain significance. Review status: criteria provided, multiple submitters, no conflicts (2 of 4 stars). 2 submissions from 2 submitters: Uncertain significance (2). Last evaluated 2025-10-09.

Conditions:
Long QT syndrome (LQTS). Identifiers: MedGen C0023976, MeSH D008133, MONDO:0002442. Disease mechanism: loss of function. Inheritance: Various modes of inheritance.
Cardiovascular phenotype. Identifiers: MedGen CN230736.

Allele frequency attached by ClinVar (database versions not stated): gnomAD exomes below 0.00001; ExAC 0.00001.
gnomAD v4.1: 3 of 1,611,560 alleles (0.00019%); highest among the groups gnomAD compares: East Asian, 0.0022%; no homozygotes.

Submissions (2):

Labcorp Genetics (formerly Invitae), Labcorp
Classification: Uncertain significance for Long QT syndrome. Last evaluated: 2025-10-09. Review status: criteria provided, single submitter. Criteria: Invitae Variant Classification Sherloc (09022015). Collection method: clinical testing. Allele origin: germline.
Comment: This sequence change replaces glutamic acid, which is acidic and polar, with lysine, which is basic and polar, at codon 329 of the SNTA1 protein (p.Glu329Lys). The frequency data for this variant in the population databases is considered unreliable, as metrics indicate poor data quality at this position in the gnomAD database. This variant has not been reported in the literature in individuals affected with SNTA1-related conditions. ClinVar contains an entry for this variant (Variation ID: 1768420). Invitae Evidence Modeling of protein sequence and biophysical properties (such as structural, functional, and spatial information, amino acid conservation, physicochemical variation, residue mobility, and thermodynamic stability) indicates that this missense variant is not expected to disrupt SNTA1 protein function with a negative predictive value of 80%. In summary, the available evidence is currently insufficient to determine the role of this variant in disease. Therefore, it has been classified as a Variant of Uncertain Significance.

Ambry Genetics
Classification: Uncertain significance for Cardiovascular phenotype. Last evaluated: 2025-08-24. Review status: criteria provided, single submitter. Criteria: Ambry Variant Classification Scheme 2023. Collection method: clinical testing. Allele origin: germline.
Comment: The p.E329K variant (also known as c.985G>A), located in coding exon 5 of the SNTA1 gene, results from a G to A substitution at nucleotide position 985. The glutamic acid at codon 329 is replaced by lysine, an amino acid with similar properties. This amino acid position is poorly conserved in available vertebrate species. In addition, this alteration is predicted to be tolerated by in silico analysis. Since supporting evidence is limited at this time, the clinical significance of this alteration remains unclear.

NM_003098.3(SNTA1):c.985G>A (p.Glu329Lys)

Gene: SNTA1 (syntrophin alpha 1; minus strand). Cytogenetic location: 20q11.21.
Variant type: single nucleotide variant.
Coding change: c.985G>A on transcript NM_003098.3 (MANE Select); coding-DNA position 985, G replaced by A.
Protein change: p.Glu329Lys; replaces glutamic acid 329 with lysine.
Molecular consequence: missense variant.
Genome position (GRCh38, 1-based): chr20:33,412,351, C>T on the plus strand (G>A on the coding strand, the complement: SNTA1 is on the minus strand). VCF-style: chr20-33412351-C-T. GRCh37 (hg19) VCF-style: chr20-32000157-C-T.
Other names: short protein forms E329K.
Identifiers: ClinVar variation 1768420 (VCV001768420.4), dbSNP rs768431530, ClinGen allele CA9817087.
Genomic context (GRCh38, chr20:33,412,351, plus strand): 5'-GGTACCTGGTGGCGATGAGTGGGGCAGTACGGGCTGGCCGGCTCAGGGCCTCGCGGGTCT[C>T]GGGGAGAGACAAGTAGAGGAGCAGTTCCTTTTCAGTTAGCAGGGCCAGGGTGGGGGCTGT-3'
Protein context (NP_003089.1, residues 319-339): KELLLYLSLP[Glu329Lys]TREALSRPAR